The following is an entry in ClinVar:

NM_020774.4(MIB1):c.1235G>A (p.Gly412Asp)

Gene: MIB1 (MIB E3 ubiquitin protein ligase 1; plus strand). Cytogenetic location: 18q11.2.
Variant type: single nucleotide variant.
Coding change: c.1235G>A on transcript NM_020774.4 (MANE Select); coding-DNA position 1235, G replaced by A.
Protein change: p.Gly412Asp; replaces glycine 412 with aspartic acid.
Molecular consequence: missense variant.
Genome position (GRCh38, 1-based): chr18:21,798,226, G>A. VCF-style: chr18-21798226-G-A. GRCh37 (hg19) VCF-style: chr18-19378187-G-A.
Other names: short protein forms G412D.
Identifiers: ClinVar variation 1712898 (VCV001712898.2), dbSNP rs369898115, ClinGen allele CA8908236.

ClinVar aggregate classification (germline): Uncertain significance (1 of 4 stars; one submission).

Allele frequency attached by ClinVar (database versions not stated): gnomAD exomes below 0.00001; TOPMed below 0.00001; ExAC 0.00001; gnomAD 0.00001; ESP Exome Variant Server 0.00008.
gnomAD v4.1: 2 of 1,612,662 alleles (0.00012%); highest among the groups gnomAD compares: African/African-American, 0.0013%; no homozygotes.

Submission:

GeneDx
Classification: Uncertain significance. Last evaluated: 2022-04-25. Review status: criteria provided, single submitter. Criteria: GeneDx Variant Classification Process June 2021. Collection method: clinical testing. Allele origin: germline. Affected: yes.
Comment: Not observed at significant frequency in large population cohorts (gnomAD); In silico analysis supports that this missense variant has a deleterious effect on protein structure/function; Has not been previously published as pathogenic or benign to our knowledge